The following is an entry in ClinVar:

ClinVar aggregate classification (germline): Likely benign (1 of 4 stars; one submission).

Conditions:
Leigh syndrome (NULS). Also called: Leigh's necrotizing encephalopathy; Leigh's disease; Leigh Syndrome (mtDNA deletion); Leigh Disease; Subacute necrotizing encephalopathy; Necrotizing encephalopathy infantile subacute of Leigh. Identifiers: Orphanet 506, MedGen C2931891, MONDO:0009723, OMIM 256000.

Submission:

Wong Mito Lab, Molecular and Human Genetics, Baylor College of Medicine
Classification: Likely benign for Leigh syndrome. Last evaluated: 2019-10-17. Review status: criteria provided, single submitter. Criteria: Modified ACMG Guidelines (Unpublished). Collection method: clinical testing. Allele origin: germline.
Comment: The NC_012920.1:m.8765C>T (YP_003024031.1:p.Ala80Val) variant in MTATP6 gene is interpretated to be a Likely Benign variant based on the modified ACMG guidelines (unpublished). This variant meets the following evidence codes: BS1, BP4

NC_012920.1(MT-ATP6):m.8765C>T

Gene: MT-ATP6 (mitochondrially encoded ATP synthase 6; plus strand).
Variant type: single nucleotide variant.
Genome position: chrM-8765-C-T.
Identifiers: ClinVar variation 692979 (VCV000692979.1), dbSNP rs1603221781, ClinGen allele CA414797949.